The following is an entry in ClinVar:

NC_000017.10:g.(?_41196353)_(41199745_?)dup

Gene: BRCA1 (BRCA1 DNA repair associated; minus strand). Cytogenetic location: 17q21.31.
Variant type: Duplication.
Identifiers: ClinVar variation 3243007 (VCV003243007.1).

ClinVar aggregate classification (germline): Uncertain significance (1 of 4 stars; one submission).

Conditions:
Hereditary breast ovarian cancer syndrome. Also called: Hereditary breast and ovarian cancer syndrome; Hereditary breast and ovarian cancer; Hereditary breast and ovarian cancer syndrome (HBOC); Breast and ovarian cancer; Hereditary breast and/or ovarian cancer syndrome; BRCA1- and BRCA2-Associated Hereditary Breast and Ovarian Cancer. Identifiers: Orphanet 145, MedGen C0677776, MeSH D061325, MONDO:0003582. Disease mechanism: loss of function.

Submission:

Labcorp Genetics (formerly Invitae), Labcorp
Classification: Uncertain significance for Hereditary breast ovarian cancer syndrome. Last evaluated: 2022-11-09. Review status: criteria provided, single submitter. Criteria: Invitae Variant Classification Sherloc (09022015). Collection method: clinical testing. Allele origin: unknown.
Comment: In summary, the available evidence is currently insufficient to determine the role of this variant in disease. Therefore, it has been classified as a Variant of Uncertain Significance. This variant has not been reported in the literature in individuals affected with BRCA1-related conditions. This variant results in a copy number gain of the genomic region encompassing exon(s) 22-23 of the BRCA1 gene. This region includes the termination codon of the gene. This copy number gain extends beyond the assayed region for this gene and therefore may encompass additional genes. As the precise location of this event is unknown, it may be in tandem or it may be located elsewhere in the genome.